The following is an entry in ClinVar:

NC_000022.10:g.(?_41277754)_(43089957_?)dup

Genes: NAGA (alpha-N-acetylgalactosaminidase; minus strand), NDUFA6 (NADH:ubiquinone oxidoreductase subunit A6; minus strand), NFAM1 (NFAT activating protein with ITAM motif 1; minus strand), RBX1 (ring-box 1; plus strand), RRP7A (ribosomal RNA processing 7 homolog A; minus strand) and 35 more. Cytogenetic location: 22q13.2.
Variant type: Duplication.
Identifiers: ClinVar variation 1447656 (VCV001447656.3).

ClinVar aggregate classification (germline): Uncertain significance (1 of 4 stars; one submission).

Conditions:
Immunodeficiency, common variable, 4. Also called: ANTIBODY DEFICIENCY DUE TO BAFFR DEFECT. Identifiers: Orphanet 1572, Orphanet 696925, MedGen C3150739, MONDO:0013284, OMIM 613494.

Submission:

Labcorp Genetics (formerly Invitae), Labcorp
Classification: Uncertain significance for Immunodeficiency, common variable, 4. Last evaluated: 2021-08-12. Review status: criteria provided, single submitter. Criteria: Invitae Variant Classification Sherloc (09022015). Collection method: clinical testing. Allele origin: germline.
Comment: This variant results in a copy number gain of the genomic region encompassing the full coding sequence of the TNFRSF13C gene. The boundaries of this event are unknown as they extend beyond the assayed region for this gene and therefore may encompass additional genes. As the precise location of this event is unknown, it may be in tandem or it may be located elsewhere in the genome. This variant has not been reported in the literature in individuals with TNFRSF13C-related conditions. In summary, the available evidence is currently insufficient to determine the role of this variant in disease. Therefore, it has been classified as a Variant of Uncertain Significance.